The following is an entry in ClinVar:

ClinVar aggregate classification (germline): Uncertain significance (3 of 4 stars; one submission).

Conditions:
Malignant hyperthermia, susceptibility to, 1 (MHS1). Also called: RYR1-Related Malignant Hyperthermia Susceptibility; Anesthesia related hyperthermia; Malignant hyperpyrexia; Fulminating hyperpyrexia; Pharmacogenic myopathy; Malignant hyperthermia suceptibility 1. Identifiers: Orphanet 423, MedGen C2930980, MONDO:0007783, OMIM 145600.

Allele frequency attached by ClinVar (database versions not stated): gnomAD exomes below 0.00001.
gnomAD v4.1: 1 of 1,613,926 alleles (0.000062%); highest among the groups gnomAD compares: Non-Finnish European, 0.000085%; no homozygotes.

Submission:

ClinGen Malignant Hyperthermia Susceptibility Variant Curation Expert Panel, ClinGen
Classification: Uncertain significance for Malignant hyperthermia, susceptibility to, 1. Last evaluated: 2025-08-01. Review status: reviewed by expert panel. Criteria: RYR1-MHS Interpretation Guidelines V2. Collection method: curation. Allele origin: germline. Inheritance: Autosomal dominant inheritance. Study: ClinGen.
Comment: This pathogenicity assessment is relevant only for malignant hyperthermia susceptibility (MHS) inherited in an autosomal dominant pattern. Variants in RYR1 can also cause other myopathies inherited in an autosomal dominant pattern or in an autosomal recessive pattern. Some of these disorders may predispose individuals to malignant hyperthermia. RYR1 variants may also contribute to a malignant hyperthermia reaction in combination with other genetic and non-genetic factors and the clinician needs to consider such factors in making management decisions. This sequence variant predicts a substitution of isoleucine with threonine at codon 4938 of the RYR1 protein, p.(Ile4938Thr). This variant was not present in a large population database (gnomAD) at the time this variant was interpreted. This variant has been reported in an individual with a personal or family history of an MH episode and a positive in vitro contracture test (IVCT) or caffeine halothane contracture test (CHCT) result (if the proband was unavailable for testing, a positive diagnostic test result in a mutation-positive relative was counted), PS4_Supporting (PMID:19191329). This variant has been identified in one individual with negative IVCT/CHCT result, BS2_Moderate (PMID:19191329). Functional studies in HEK293 cells show an increased sensitivity to RYR1 agonists, (Noda et al. 2023), however, ex vivo studies on patient myotubes show decreased sensitivity to 4-CMC, PS3 and BS3 not applied (Noda et al. 2023). This variant resides in a region of RYR1 considered to be a hotspot for pathogenic variants that contribute to MHS, PM1_Sup (PMID: 21118704). A REVEL score >0.85 (0.956) supports a pathogenic status for this variant, PP3_Moderate. Based on using Bayes to combine criteria this variant is assessed as a Variant of Unknown Significance, (PMID: 29300386). Criteria implemented: PS4_Sup, PM1_Sup, PP3_Moderate, BS2_Moderate.

NM_000540.3(RYR1):c.14813T>C (p.Ile4938Thr)

Gene: RYR1 (ryanodine receptor 1; plus strand). Cytogenetic location: 19q13.2.
Variant type: single nucleotide variant.
Coding change: c.14813T>C on transcript NM_000540.3 (MANE Select); coding-DNA position 14813, T replaced by C.
Protein change: p.Ile4938Thr; replaces isoleucine 4938 with threonine.
Molecular consequence: missense variant.
Genome position (GRCh38, 1-based): chr19:38,585,947, T>C. VCF-style: chr19-38585947-T-C. GRCh37 (hg19) VCF-style: chr19-39076587-T-C.
Other names: NM_000540.2(RYR1):c.14813T>C; p.Ile4938Thr; NM_001042723.2:c.14798T>C; c.14798T>C, p.Ile4933Thr (NM_001042723.2); short protein forms I4933T, I4938T.
Identifiers: ClinVar variation 1214001 (VCV001214001.4), dbSNP rs111657878, ClinGen allele CA308126441.
Genomic context (GRCh38, chr19:38,585,947, plus strand): 5'-AGTCTGAACCAGGTCAGAGGTCGGGCACTGACTTGTGTCCTGCCACCCCAGGTCTGATCA[T>C]CGACGCTTTTGGTGAGCTCCGAGACCAACAAGAGCAAGTGAAGGAGGATATGGAGGTAGG-3'
Protein context (NP_000531.2, residues 4928-4948): ILLAIIQGLI[Ile4938Thr]DAFGELRDQQ